The following is an entry in ClinVar:

ClinVar aggregate classification (germline): Pathogenic (1 of 4 stars; one submission).

Conditions:
Hereditary cancer-predisposing syndrome. Also called: Neoplastic Syndromes, Hereditary; Tumor predisposition; Hereditary Cancer Syndrome; Hereditary neoplastic syndrome. Identifiers: Orphanet 140162, MedGen C0027672, MeSH D009386, MONDO:0015356.

Submission:

Ambry Genetics
Classification: Pathogenic for Hereditary cancer-predisposing syndrome. Last evaluated: 2025-01-09. Review status: criteria provided, single submitter. Criteria: Ambry Variant Classification Scheme 2023. Collection method: clinical testing. Allele origin: germline.
Comment: The c.5817delA pathogenic mutation, located in coding exon 38 of the ATM gene, results from a deletion of one nucleotide at nucleotide position 5817, causing a translational frameshift with a predicted alternate stop codon (p.E1940Kfs*5). This variant is considered to be rare based on population cohorts in the Genome Aggregation Database (gnomAD). This alteration is expected to result in loss of function by premature protein truncation or nonsense-mediated mRNA decay. As such, this alteration is interpreted as a disease-causing mutation.

NM_000051.4(ATM):c.5817del (p.Glu1940fs)

Genes: ATM (ATM serine/threonine kinase; plus strand), C11orf65 (chromosome 11 open reading frame 65; minus strand). Cytogenetic location: 11q22.3.
Variant type: Deletion.
Coding change: c.5817del on transcript NM_000051.4 (MANE Select); coding-DNA position 5817, one base deleted (A; older notation c.5817delA).
Protein change: p.Glu1940fs; shifts the reading frame from glutamic acid 1940.
Molecular consequence: frameshift variant. On other transcripts: intron variant (2).
Genome position (GRCh38, 1-based): chr11:108,310,214, A deleted. VCF-style (leftmost placement, unchanged base first): chr11-108310213-TA-T. GRCh37 (hg19) VCF-style: chr11-108180940-TA-T.
Other names: c.5817del, p.Glu1940fs (NM_001351834.2); c.641-1143del (NM_001330368.2); c.*39-1143del (NM_001351110.2); short protein forms E1940fs.
Identifiers: ClinVar variation 3801419 (VCV003801419.1).
Genomic context (GRCh38, chr11:108,310,213, plus strand): 5'-TCTTTAGACCTTCTTCAGGAACAATTTTTAATGATGCTTTCTGGCTGGATTTAAATTATC[TA>T]GAAGTTGCCAAGGTAGCTCAGTCTTGTGCTGCTCACTTTACAGCTTTACTCTATGCAGAA-3'